The following is an entry in ClinVar:

NM_000426.4(LAMA2):c.1705A>C (p.Ile569Leu)

Gene: LAMA2 (laminin subunit alpha 2; plus strand). Cytogenetic location: 6q22.33.
Variant type: single nucleotide variant.
Coding change: c.1705A>C on transcript NM_000426.4 (MANE Select); coding-DNA position 1705, A replaced by C.
Protein change: p.Ile569Leu; replaces isoleucine 569 with leucine.
Molecular consequence: missense variant.
Genome position (GRCh38, 1-based): chr6:129,192,776, A>C. VCF-style: chr6-129192776-A-C. GRCh37 (hg19) VCF-style: chr6-129513921-A-C.
Other names: c.1705A>C (NM_000426.3); c.1705A>C, p.Ile569Leu (NM_001079823.2); short protein forms I569L.
Identifiers: ClinVar variation 1423436 (VCV001423436.8), dbSNP rs766909163, ClinGen allele CA3992703.

ClinVar aggregate classification (germline): Conflicting classifications of pathogenicity. Review status: criteria provided, conflicting classifications (1 of 4 stars). 2 submissions from 2 submitters: Uncertain significance (1); Likely benign (1). Last evaluated 2025-01-15.

Conditions:
Inborn genetic diseases. Identifiers: MedGen C0950123, MeSH D030342.
LAMA2-related muscular dystrophy (LAMA2-RD). Also called: Laminin alpha 2-related dystrophy. Identifiers: MedGen C5679788, MONDO:0100228.

Allele frequency attached by ClinVar (database versions not stated): ExAC 0.00001; gnomAD exomes 0.00001.
gnomAD v4.1: 18 of 1,614,186 alleles (0.0011%); highest among the groups gnomAD compares: Non-Finnish European, 0.0015%; no homozygotes.

Submissions (2):

Ambry Genetics
Classification: Likely benign for Inborn genetic diseases. Last evaluated: 2025-01-15. Review status: criteria provided, single submitter. Criteria: Ambry Variant Classification Scheme 2023. Collection method: clinical testing. Allele origin: germline.

Labcorp Genetics (formerly Invitae), Labcorp
Classification: Uncertain significance for LAMA2-related muscular dystrophy. Last evaluated: 2021-11-09. Review status: criteria provided, single submitter. Criteria: Invitae Variant Classification Sherloc (09022015). Collection method: clinical testing. Allele origin: germline.
Comment: This variant has not been reported in the literature in individuals affected with LAMA2-related conditions. This variant is present in population databases (rs766909163, gnomAD 0.002%). This sequence change replaces isoleucine, which is neutral and non-polar, with leucine, which is neutral and non-polar, at codon 569 of the LAMA2 protein (p.Ile569Leu). Advanced modeling of protein sequence and biophysical properties (such as structural, functional, and spatial information, amino acid conservation, physicochemical variation, residue mobility, and thermodynamic stability) performed at Invitae indicates that this missense variant is not expected to disrupt LAMA2 protein function. In summary, the available evidence is currently insufficient to determine the role of this variant in disease. Therefore, it has been classified as a Variant of Uncertain Significance.